The following is an entry in ClinVar:

ClinVar aggregate classification (germline): Uncertain significance (1 of 4 stars; one submission).

Allele frequency attached by ClinVar (database versions not stated): ExAC 0.00001.

Submission:

Labcorp Genetics (formerly Invitae), Labcorp
Classification: Uncertain significance. Last evaluated: 2024-09-21. Review status: criteria provided, single submitter. Criteria: Invitae Variant Classification Sherloc (09022015). Collection method: clinical testing. Allele origin: germline.
Comment: This sequence change replaces alanine, which is neutral and non-polar, with valine, which is neutral and non-polar, at codon 34 of the PLEKHM2 protein (p.Ala34Val). The frequency data for this variant in the population databases is considered unreliable, as metrics indicate poor data quality at this position in the gnomAD database. This variant has not been reported in the literature in individuals affected with PLEKHM2-related conditions. An algorithm developed to predict the effect of missense changes on protein structure and function (PolyPhen-2) suggests that this variant is likely to be disruptive. In summary, the available evidence is currently insufficient to determine the role of this variant in disease. Therefore, it has been classified as a Variant of Uncertain Significance.

NM_015164.4(PLEKHM2):c.101C>T (p.Ala34Val)

Gene: PLEKHM2 (pleckstrin homology and RUN domain containing M2; plus strand). Cytogenetic location: 1p36.21.
Variant type: single nucleotide variant.
Coding change: c.101C>T on transcript NM_015164.4 (MANE Select); coding-DNA position 101, C replaced by T.
Protein change: p.Ala34Val; replaces alanine 34 with valine.
Molecular consequence: missense variant.
Genome position (GRCh38, 1-based): chr1:15,716,277, C>T. VCF-style: chr1-15716277-C-T. GRCh37 (hg19) VCF-style: chr1-16042772-C-T.
Other names: c.101C>T, p.Ala34Val (NM_001410755.1); short protein forms A34V.
Identifiers: ClinVar variation 2915672 (VCV002915672.3), dbSNP rs770529834, ClinGen allele CA616596.